The following is an entry in ClinVar:

ClinVar aggregate classification (germline): Benign/Likely benign. Review status: criteria provided, single submitter (1 of 4 stars). 3 submissions from 1 submitter: Benign (2); Likely benign (1). Last evaluated 2018-01-12.

Conditions:
Paroxysmal extreme pain disorder (PEXPD). Also called: PAIN, SUBMANDIBULAR, OCULAR, AND RECTAL, WITH FLUSHING; RECTAL PAIN, FAMILIAL; SCN9A Paroxysmal Extreme Pain Disorder (SCN9A-PEPD). Identifiers: Orphanet 46348, MedGen C1833661, MONDO:0008179, OMIM 167400.
Primary erythromelalgia. Also called: SCN9A Erythromelalgia (SCN9A-EM); primary erythermalgia. Identifiers: Orphanet 306577, Orphanet 90026, MedGen C0014805, MONDO:0007571, OMIM 133020.
Channelopathy-associated congenital insensitivity to pain, autosomal recessive. Also called: Insensitivity to pain, channelopathy-associated; ASYMBOLIA FOR PAIN; CONGENITAL ANALGESIA, AUTOSOMAL RECESSIVE. Identifiers: Orphanet 88642, Orphanet 970, MedGen C1855739, MONDO:0009459, OMIM 243000.

Allele frequency attached by ClinVar (database versions not stated): gnomAD 0.00245 and 0.00248; TOPMed 0.00263; 1000 Genomes Project 0.00439.

Submissions (3):

Illumina Laboratory Services, Illumina
Classification: Benign for Paroxysmal extreme pain disorder. Last evaluated: 2018-01-12. Review status: criteria provided, single submitter. Criteria: ICSL Variant Classification Criteria 13 December 2019. Collection method: clinical testing. Allele origin: germline.
Comment: This variant was observed in the ICSL laboratory as part of a predisposition screen in an ostensibly healthy population. It had not been previously curated by ICSL or reported in the Human Gene Mutation Database (HGMD: prior to June 1st, 2018), and was therefore a candidate for classification through an automated scoring system. Utilizing variant allele frequency, disease prevalence and penetrance estimates, and inheritance mode, an automated score was calculated to assess if this variant is too frequent to cause the disease. Based on the score and internal cut-off values, a variant classified as benign is not then subjected to further curation. The score for this variant resulted in a classification of benign for this disease.

Illumina Laboratory Services, Illumina
Classification: Benign for Primary erythromelalgia. Last evaluated: 2018-01-12. Review status: criteria provided, single submitter. Criteria: ICSL Variant Classification Criteria 13 December 2019. Collection method: clinical testing. Allele origin: germline.
Comment: the same text as in the submission from Illumina Laboratory Services, Illumina above.

Illumina Laboratory Services, Illumina
Classification: Likely benign for Channelopathy-associated congenital insensitivity to pain, autosomal recessive. Last evaluated: 2018-01-12. Review status: criteria provided, single submitter. Criteria: ICSL Variant Classification Criteria 13 December 2019. Collection method: clinical testing. Allele origin: germline.
Comment: This variant was observed in the ICSL laboratory as part of a predisposition screen in an ostensibly healthy population. It had not been previously curated by ICSL or reported in the Human Gene Mutation Database (HGMD: prior to June 1st, 2018), and was therefore a candidate for classification through an automated scoring system. Utilizing variant allele frequency, disease prevalence and penetrance estimates, and inheritance mode, an automated score was calculated to assess if this variant is too frequent to cause the disease. Based on the score and internal cut-off values, a variant classified as likely benign is not then subjected to further curation. The score for this variant resulted in a classification of likely benign for this disease.

NM_001365536.1(SCN9A):c.*2312A>T

Genes: SCN1A-AS1 (SCN1A and SCN9A antisense RNA 1; plus strand), SCN9A (sodium voltage-gated channel alpha subunit 9; minus strand). Cytogenetic location: 2q24.3.
Variant type: single nucleotide variant.
Coding change: c.*2312A>T on transcript NM_001365536.1 (MANE Select); 2312 bases downstream of the stop codon, A replaced by T.
Molecular consequence: 3 prime UTR variant.
Genome position (GRCh38, 1-based): chr2:166,196,360, T>A on the plus strand (A>T on the coding strand, the complement: SCN9A is on the minus strand). VCF-style: chr2-166196360-T-A. GRCh37 (hg19) VCF-style: chr2-167052870-T-A.
Other names: c.*2312A>T (NM_002977.4).
Identifiers: ClinVar variation 331912 (VCV000331912.6), dbSNP rs185580193, ClinGen allele CA10612766.